The following is an entry in ClinVar:

ClinVar aggregate classification (germline): Uncertain significance (1 of 4 stars; one submission).

gnomAD v4.1: 4 of 1,614,024 alleles (0.00025%); highest among the groups gnomAD compares: Non-Finnish European, 0.00034%; no homozygotes.

Submission:

CeGaT Center for Human Genetics Tuebingen
Classification: Uncertain significance. Last evaluated: 2022-06-01. Review status: criteria provided, single submitter. Criteria: CeGaT Center For Human Genetics Tuebingen Variant Classification Criteria Version 2. Collection method: clinical testing. Allele origin: germline. Affected: yes. Observed: 1 variant allele.
Comment: RANBP2: PM2

NM_006267.5(RANBP2):c.3202G>C (p.Gly1068Arg)

Gene: RANBP2 (RAN binding protein 2; plus strand). Cytogenetic location: 2q13.
Variant type: single nucleotide variant.
Coding change: c.3202G>C on transcript NM_006267.5 (MANE Select); coding-DNA position 3202, G replaced by C.
Protein change: p.Gly1068Arg; replaces glycine 1068 with arginine.
Molecular consequence: missense variant.
Genome position (GRCh38, 1-based): chr2:108,763,741, G>C. VCF-style: chr2-108763741-G-C. GRCh37 (hg19) VCF-style: chr2-109380197-G-C.
Other names: c.3202G>C, p.Gly1068Arg (NM_001415871.1, NM_001415873.1); c.3199G>C, p.Gly1067Arg (NM_001415872.1); short protein forms G1067R, G1068R.
Identifiers: ClinVar variation 2651248 (VCV002651248.24), dbSNP rs764449148, ClinGen allele CA348060927.
Genomic context (GRCh38, chr2:108,763,741, plus strand): 5'-TCACCACAGGTTGTGACACAGCCCCCTCCTGCAGCTTACAGTAACAGTGAAAGCCTTTTA[G>C]GTCTCCTGACTTCAGATAAACCCTTGCAAGGAGATGGCTATAGTGGAGCCAAACCAATTC-3'
Protein context (NP_006258.3, residues 1058-1078): AAYSNSESLL[Gly1068Arg]LLTSDKPLQG